The following is an entry in ClinVar:

NM_032043.3(BRIP1):c.1351G>C (p.Ala451Pro)

Gene: BRIP1 (BRCA1 interacting DNA helicase 1; minus strand). Cytogenetic location: 17q23.2.
Variant type: single nucleotide variant.
Coding change: c.1351G>C on transcript NM_032043.3 (MANE Select); coding-DNA position 1351, G replaced by C.
Protein change: p.Ala451Pro; replaces alanine 451 with proline.
Molecular consequence: missense variant.
Genome position (GRCh38, 1-based): chr17:61,793,719, C>G on the plus strand (G>C on the coding strand, the complement: BRIP1 is on the minus strand). VCF-style: chr17-61793719-C-G. GRCh37 (hg19) VCF-style: chr17-59871080-C-G.
Other names: short protein forms A451P.
Identifiers: ClinVar variation 1171781 (VCV001171781.2), dbSNP rs2145244986, ClinGen allele CA400482312.

ClinVar aggregate classification (germline): Uncertain significance (1 of 4 stars; one submission).

Conditions:
Hereditary cancer-predisposing syndrome. Also called: Tumor predisposition; Hereditary neoplastic syndrome; Hereditary Cancer Syndrome; Neoplastic Syndromes, Hereditary. Identifiers: Orphanet 140162, MedGen C0027672, MeSH D009386, MONDO:0015356.

Submission:

Color Diagnostics, LLC DBA Color Health
Classification: Uncertain significance for Hereditary cancer-predisposing syndrome. Last evaluated: 2020-08-03. Review status: criteria provided, single submitter. Criteria: ACMG Guidelines, 2015. Collection method: clinical testing. Allele origin: germline.
Comment: This missense variant replaces alanine with proline at codon 451 of the BRIP1 protein. Computational prediction suggests that this variant may not impact protein structure and function (internally defined REVEL score threshold <= 0.5, PMID: 27666373). To our knowledge, functional studies have not been reported for this variant. This variant has not been reported in individuals affected with hereditary cancer in the literature. This variant has not been identified in the general population by the Genome Aggregation Database (gnomAD). The available evidence is insufficient to determine the role of this variant in disease conclusively. Therefore, this variant is classified as a Variant of Uncertain Significance.